The following is an entry in ClinVar:

NM_003664.5(AP3B1):c.3090del (p.Asn1031fs)

Gene: AP3B1 (adaptor related protein complex 3 subunit beta 1; minus strand). Cytogenetic location: 5q14.1.
Variant type: Deletion.
Coding change: c.3090del on transcript NM_003664.5 (MANE Select); coding-DNA position 3090, one base deleted (C; older notation c.3090delC).
Protein change: p.Asn1031fs; shifts the reading frame from asparagine 1031.
Molecular consequence: frameshift variant.
Genome position (GRCh38, 1-based): chr5:78,015,451, G deleted on the plus strand (C on the coding strand, the reverse complement: AP3B1 is on the minus strand); the first of 2 consecutive G bases (chr5:78,015,451-78,015,452); deleting either gives the same sequence. VCF-style (leftmost placement, unchanged base first): chr5-78015450-TG-T. GRCh37 (hg19) VCF-style: chr5-77311274-TG-T.
Other names: c.2943del, p.Asn982fs (NM_001271769.2); c.3090delC (NM_003664.4); short protein forms N1031fs, N982fs.
Identifiers: ClinVar variation 2429197 (VCV002429197.3), dbSNP rs2478827968, ClinGen allele CA2580073650.

ClinVar aggregate classification (germline): Uncertain significance (1 of 4 stars; one submission).

Submission:

Women's Health and Genetics/Laboratory Corporation of America, LabCorp
Classification: Uncertain significance. Last evaluated: 2023-01-20. Review status: criteria provided, single submitter. Criteria: LabCorp Variant Classification Summary - May 2015. Collection method: clinical testing. Allele origin: germline.
Comment: Variant summary: AP3B1 c.3090delC (p.Asn1031MetfsX2) results in a premature termination codon, predicted to cause a truncation of the encoded protein or absence of the protein due to nonsense mediated decay, which are commonly known mechanisms for disease. The variant truncates the Beta-adaptin appendage, C-terminal subdomain (IPR015151) of the encoded protein. To our knowledge, truncations downstream of this position have not been cited in online databases (e.g. ClinVar, HGMD, LOVD) and have not been reported in the literature in affected patients. The variant was absent in 251442 control chromosomes (gnomAD). To our knowledge, no occurrence of c.3090delC in individuals affected with Hermansky-Pudlak Syndrome and no experimental evidence demonstrating its impact on protein function have been reported. No clinical diagnostic laboratories have submitted clinical-significance assessments for this variant to ClinVar after 2014. Based on the evidence outlined above, the variant was classified as VUS-possibly pathogenic.